The following is an entry in ClinVar:

ClinVar aggregate classification (germline): Pathogenic. Review status: reviewed by expert panel (3 of 4 stars). 7 submissions from 7 submitters: Pathogenic (1). 6 of the submissions do not count toward it. Last evaluated 2025-04-22.

Conditions:
Developmental and epileptic encephalopathy, 52 (DEE52). Also called: Epileptic encephalopathy, early infantile, 52. Identifiers: MedGen C4479236, MONDO:0033361, OMIM 617350.
Generalized epilepsy with febrile seizures plus, type 1 (GEFSP1). Also called: GEFS+, TYPE 1. Identifiers: Orphanet 36387, MedGen C1858672, MONDO:0011416, OMIM 604233.
Genetic developmental and epileptic encephalopathy. Identifiers: MedGen CN379639, MONDO:0100062.
Brugada syndrome 5 (BRGDA5). Identifiers: Orphanet 130, Orphanet 871, MedGen C2748541, MONDO:0013015, OMIM 612838.

Submissions (7):

ClinGen Epilepsy Sodium Channel Variant Curation Expert Panel, Clingen
Classification: Pathogenic for Genetic developmental and epileptic encephalopathy. Last evaluated: 2025-04-22. Review status: reviewed by expert panel. Criteria: ClinGen EpilepsySCN ACMG Specifications SCN1B V2.0.0. Collection method: curation. Allele origin: germline. Inheritance: Autosomal recessive inheritance.
Comment: The c.449-2A>G variant occurs within the canonical splice acceptor site (-2) of intron 3. Based on splicing prediction model (SpliceAI), this variant is strongly predicted to result in the loss of this particular canonical splice site (acceptor loss score of 0.97) and potential skipping of the biologically-relevant coding exon 4/5. The SpliceAI prediction model also predicts significant strengthening of a cryptic acceptor splice site located 7bp into coding exon 4 (acceptor gain score of 0.83). Both skipping of exon 4, as well as usage of the cryptic splice site, are expected to result in frameshift effects leading to nonsense mediated decay in a gene where loss-of-function is an established disease mechanism (PVS1). This variant has been detected in 5 individuals with developmental and epileptic encephalopathy. All were homozygous for the variant (1 point) (PMIDs: 28218389, 27848944, 31054490) (PM3). This variant is absent from gnomAD v[4.1] (PM2_supporting). In summary, this variant meets the criteria to be classified as pathogenic for autosomal recessive developmental and epileptic Encephalopathy based on the ACMG/AMP criteria applied as listed by the Epilepsy Sodium Channel VCEP: PVS1, PM3, PM2_supporting (v2.0; April 22, 2025).

GeneDx
Classification: Pathogenic. Last evaluated: 2025-06-11. Review status: criteria provided, single submitter. Criteria: GeneDx Variant Classification Process June 2021. Collection method: clinical testing. Allele origin: germline. Affected: yes. Not counted in ClinVar's aggregate classification.
Comment: Canonical splice site variant predicted to result in a null allele in a gene for which loss of function is a known mechanism of disease; Not observed at significant frequency in large population cohorts (gnomAD); This variant is associated with the following publications: (PMID: 27848944, 31054490, 28218389, 32552793, 37644014, 36403551)

Genomic Medicine Center of Excellence, King Faisal Specialist Hospital and Research Centre
Classification: Uncertain significance for Developmental and epileptic encephalopathy, 52. Last evaluated: 2024-03-17. Review status: criteria provided, single submitter. Criteria: ACMG Guidelines, 2015. Collection method: research. Allele origin: germline. Not counted in ClinVar's aggregate classification.

Labcorp Genetics (formerly Invitae), Labcorp
Classification: Likely pathogenic for Brugada syndrome 5. Last evaluated: 2023-12-12. Review status: criteria provided, single submitter. Criteria: Invitae Variant Classification Sherloc (09022015). Collection method: clinical testing. Allele origin: germline. Not counted in ClinVar's aggregate classification.
Comment: The SCN1B gene has multiple clinically relevant transcripts. This variant occurs in alternate transcript NM_001037.5 and corresponds to NM_199037.3:c.*5017A>G in the primary transcript. This sequence change affects an acceptor splice site in intron 3 of the SCN1B gene. It is expected to disrupt RNA splicing. Variants that disrupt the donor or acceptor splice site typically lead to a loss of protein function (PMID: 16199547), and loss-of-function variants in SCN1B are known to be pathogenic (PMID: 17629415, 30660056). This variant is not present in population databases (gnomAD no frequency). Disruption of this splice site has been observed in individual(s) with clinical features of autosomal dominant generalized epilepsy with febrile seizures (PMID: 29655203; Invitae). This variant has been reported in individual(s) with autosomal recessive developmental and epileptic encephalopathy (PMID: 28218389); however, the role of the variant in this condition is currently unclear. In summary, the currently available evidence indicates that the variant is pathogenic, but additional data are needed to prove that conclusively. Therefore, this variant has been classified as Likely Pathogenic.

Baylor Genetics
Classification: Likely pathogenic for Developmental and epileptic encephalopathy, 52. Last evaluated: 2019-09-20. Review status: criteria provided, single submitter. Criteria: ACMG Guidelines, 2015. Collection method: clinical testing. Allele origin: unknown. Affected: yes. Not counted in ClinVar's aggregate classification.
Comment: This variant was determined to be likely pathogenic according to ACMG Guidelines, 2015 [PMID:25741868].

OMIM
Classification: Pathogenic for DEVELOPMENTAL AND EPILEPTIC ENCEPHALOPATHY 52. Last evaluated: 2020-10-09. Review status: no assertion criteria provided. Collection method: literature only. Allele origin: germline. Not counted in ClinVar's aggregate classification.

Biochemical Molecular Genetic Laboratory, King Abdulaziz Medical City
Classification: Uncertain significance for Generalized epilepsy with febrile seizures plus, type 1. Last evaluated: 2019-01-29. Review status: no assertion criteria provided. Collection method: clinical testing. Allele origin: germline. Affected: yes. Not counted in ClinVar's aggregate classification.

Literature cited by the submitters: PubMed 16199547 (cited by Labcorp Genetics (formerly Invitae), Labcorp); PubMed 17629415 (cited by Labcorp Genetics (formerly Invitae), Labcorp); PubMed 30660056 (cited by Labcorp Genetics (formerly Invitae), Labcorp); PubMed 29655203 (cited by Labcorp Genetics (formerly Invitae), Labcorp); PubMed 28218389 (cited by Labcorp Genetics (formerly Invitae), Labcorp and OMIM).

NM_001037.5(SCN1B):c.449-2A>G

Gene: SCN1B (sodium voltage-gated channel beta subunit 1; plus strand). Cytogenetic location: 19q13.11.
Variant type: single nucleotide variant.
Coding change: c.449-2A>G on transcript NM_001037.5 (MANE Select); the canonical splice acceptor site of the intron before coding-DNA position 449, A replaced by G.
Molecular consequence: splice acceptor variant.
Genome position (GRCh38, 1-based): chr19:35,039,115, A>G. VCF-style: chr19-35039115-A-G. GRCh37 (hg19) VCF-style: chr19-35530019-A-G.
Other names: IVS3AS, A-G, -2; c.350-2A>G (NM_001321605.2).
Identifiers: ClinVar variation 694617 (VCV000694617.12), dbSNP rs1600370558, ClinGen allele CA405329888.